The following is an entry in ClinVar:

NM_000051.4(ATM):c.4303_4304insTT (p.Lys1435fs)

Gene: ATM (ATM serine/threonine kinase; plus strand). Cytogenetic location: 11q22.3.
Variant type: Insertion.
Coding change: c.4303_4304insTT on transcript NM_000051.4 (MANE Select); coding-DNA positions 4303 to 4304, TT inserted.
Protein change: p.Lys1435fs; shifts the reading frame from lysine 1435.
Molecular consequence: frameshift variant.
Genome position: GRCh38 VCF-style: chr11-108289668-A-ATT. GRCh37 (hg19) VCF-style: chr11-108160395-A-ATT.
Other names: c.4303_4304insTT, p.Lys1435fs (NM_001351834.2); short protein forms K1435fs.
Identifiers: ClinVar variation 847598 (VCV000847598.8), dbSNP rs2082673829, ClinGen allele CA916080454.

ClinVar aggregate classification (germline): Pathogenic. Review status: criteria provided, multiple submitters, no conflicts (2 of 4 stars). 2 submissions from 2 submitters: Pathogenic (2). Last evaluated 2024-06-28.

Conditions:
Ataxia-telangiectasia syndrome (AT). Also called: Ataxia-telangiectasia, complementation group E; Cerebello-oculocutaneous telangiectasia; Immunodeficiency with ataxia telangiectasia; Ataxia-telangiectasia, complementation group D; AT, COMPLEMENTATION GROUP C; Ataxia-telangiectasia. Identifiers: Orphanet 100, MedGen C0004135, MONDO:0008840, OMIM 208900.
Hereditary cancer-predisposing syndrome. Also called: Neoplastic Syndromes, Hereditary; Hereditary Cancer Syndrome; Hereditary neoplastic syndrome; Tumor predisposition. Identifiers: Orphanet 140162, MedGen C0027672, MeSH D009386, MONDO:0015356.

Submissions (2):

Ambry Genetics
Classification: Pathogenic for Hereditary cancer-predisposing syndrome. Last evaluated: 2024-06-28. Review status: criteria provided, single submitter. Criteria: Ambry Variant Classification Scheme 2023. Collection method: clinical testing. Allele origin: germline.
Comment: The c.4303_4304insTT pathogenic mutation, located in coding exon 28 of the ATM gene, results from an insertion of two nucleotides at position 4303, causing a translational frameshift with a predicted alternate stop codon (p.K1435Ifs*17). This variant is considered to be rare based on population cohorts in the Genome Aggregation Database (gnomAD). This alteration is expected to result in loss of function by premature protein truncation or nonsense-mediated mRNA decay. As such, this alteration is interpreted as a disease-causing mutation.

Labcorp Genetics (formerly Invitae), Labcorp
Classification: Pathogenic for Ataxia-telangiectasia syndrome. Last evaluated: 2022-03-01. Review status: criteria provided, single submitter. Criteria: Invitae Variant Classification Sherloc (09022015). Collection method: clinical testing. Allele origin: germline.
Comment: For these reasons, this variant has been classified as Pathogenic. ClinVar contains an entry for this variant (Variation ID: 847598). This variant has not been reported in the literature in individuals affected with ATM-related conditions. This variant is not present in population databases (gnomAD no frequency). This sequence change creates a premature translational stop signal (p.Lys1435Ilefs*17) in the ATM gene. It is expected to result in an absent or disrupted protein product. Loss-of-function variants in ATM are known to be pathogenic (PMID: 23807571, 25614872).

Literature cited by the submitters: PubMed 23807571 (cited by Labcorp Genetics (formerly Invitae), Labcorp); PubMed 25614872 (cited by Labcorp Genetics (formerly Invitae), Labcorp).